The following is an entry in ClinVar:

NM_001011547.3(SLC5A9):c.807T>G (p.Ile269Met)

Gene: SLC5A9 (solute carrier family 5 member 9; plus strand). Cytogenetic location: 1p33.
Variant type: single nucleotide variant.
Coding change: c.807T>G on transcript NM_001011547.3 (MANE Select); coding-DNA position 807, T replaced by G.
Protein change: p.Ile269Met; replaces isoleucine 269 with methionine.
Molecular consequence: missense variant.
Genome position (GRCh38, 1-based): chr1:48,232,061, T>G. VCF-style: chr1-48232061-T-G. GRCh37 (hg19) VCF-style: chr1-48697733-T-G.
Other names: c.882T>G, p.Ile294Met (NM_001135181.2); short protein forms I269M, I294M.
Identifiers: ClinVar variation 3059966 (VCV003059966.2), dbSNP rs212991, ClinGen allele CA843684.
Genomic context (GRCh38, chr1:48,232,061, plus strand): 5'-CCCTAATGTCACAGTCCCCAACACCACCTGTCACCTCCCACGGCCCGATGCTTTCCACAT[T>G]CTTCGGGACCCTGTGAGCGGGGACATCCCTTGGCCAGGTCTCATTTTCGGGCTCACAGTG-3'
Protein context (NP_001011547.2, residues 259-279): CHLPRPDAFH[Ile269Met]LRDPVSGDIP

ClinVar aggregate classification (germline): Benign (0 of 4 stars; one submission).

Conditions:
SLC5A9-related disorder. Also called: SLC5A9-related condition.

Allele frequency attached by ClinVar (database versions not stated): gnomAD exomes 0.99876; TOPMed 0.99906; ESP Exome Variant Server 0.99908; gnomAD 0.99923; ExAC 0.99925; 1000 Genomes Project 30x 0.99938; 1000 Genomes Project 0.99940.
gnomAD v4.1: 1,612,263 of 1,614,196 alleles (100%); highest among the groups gnomAD compares: Middle Eastern, 100%; 805,167 homozygotes.

Submission:

PreventionGenetics, part of Exact Sciences
Classification: Benign for SLC5A9-related condition. Last evaluated: 2019-10-21. Review status: no assertion criteria provided. Collection method: clinical testing. Allele origin: germline.
Comment: This variant is classified as benign based on ACMG/AMP sequence variant interpretation guidelines (Richards et al. 2015 PMID: 25741868, with internal and published modifications).